The following is an entry in ClinVar:

NM_001197104.2(KMT2A):c.10547G>A (p.Gly3516Glu)

Gene: KMT2A (lysine methyltransferase 2A; plus strand). Cytogenetic location: 11q23.3.
Variant type: single nucleotide variant.
Coding change: c.10547G>A on transcript NM_001197104.2 (MANE Select); coding-DNA position 10547, G replaced by A.
Protein change: p.Gly3516Glu; replaces glycine 3516 with glutamic acid.
Molecular consequence: missense variant.
Genome position (GRCh38, 1-based): chr11:118,506,439, G>A. VCF-style: chr11-118506439-G-A. GRCh37 (hg19) VCF-style: chr11-118377154-G-A.
Other names: c.10538G>A, p.Gly3513Glu (NM_005933.4); short protein forms G3516E, G3513E.
Identifiers: ClinVar variation 738499 (VCV000738499.29), dbSNP rs149137886, ClinGen allele CA6304765.
Genomic context (GRCh38, chr11:118,506,439, plus strand): 5'-TGGGACTGGAGCAGAACAAGGCTTTATCCTCAGCTGTGCAAGCCAGCCCCACCTCTCCTG[G>A]GGGTTCTCCATCCTCTCCATCTTCTGGACAGCGGTCAGCAAGCCCTTCAGTGCCGGGTCC-3'
Protein context (NP_001184033.1, residues 3506-3526): SAVQASPTSP[Gly3516Glu]GSPSSPSSGQ

ClinVar aggregate classification (germline): Benign/Likely benign. Review status: criteria provided, multiple submitters, no conflicts (2 of 4 stars). 7 submissions from 7 submitters: Benign (1); Likely benign (5). 1 of the submissions does not count toward it. Last evaluated 2026-02-01.

Conditions:
KMT2A-related disorder. Also called: KMT2A-related condition.

Allele frequency attached by ClinVar (database versions not stated): gnomAD exomes 0.00015 and 0.00028; ExAC 0.00032; gnomAD 0.00107 and 0.00110; ESP Exome Variant Server 0.00108; TOPMed 0.00125; 1000 Genomes Project 0.00160; 1000 Genomes Project 30x 0.00203.
gnomAD v4.1: 399 of 1,614,138 alleles (0.025%); highest among the groups gnomAD compares: African/African-American, 0.4%; 2 homozygotes.

Submissions (7):

Labcorp Genetics (formerly Invitae), Labcorp
Classification: Likely benign. Last evaluated: 2026-02-01. Review status: criteria provided, single submitter. Criteria: Invitae Variant Classification Sherloc (09022015). Collection method: clinical testing. Allele origin: germline.

Genomic Medicine Center of Excellence, King Faisal Specialist Hospital and Research Centre
Classification: Likely benign. Last evaluated: 2025-08-18. Review status: criteria provided, single submitter. Criteria: ACMG Guidelines, 2015. Collection method: clinical testing. Allele origin: germline.

CeGaT Center for Human Genetics Tuebingen
Classification: Likely benign. Last evaluated: 2024-12-01. Review status: criteria provided, single submitter. Criteria: CeGaT Center For Human Genetics Tuebingen Variant Classification Criteria Version 2. Collection method: clinical testing. Allele origin: germline. Affected: yes. Observed: 1 variant allele.
Comment: KMT2A: BP4, BS1

Blueprint Genetics
Classification: Likely benign. Last evaluated: 2023-12-01. Review status: criteria provided, single submitter. Criteria: ACMG Guidelines, 2015. Collection method: clinical testing. Allele origin: germline.

GeneDx
Classification: Benign. Last evaluated: 2019-08-23. Review status: criteria provided, single submitter. Criteria: GeneDx Variant Classification Process June 2021. Collection method: clinical testing. Allele origin: germline. Affected: yes.

Breakthrough Genomics
Classification: Likely benign. Review status: criteria provided, single submitter. Criteria: ACMG Guidelines, 2015. Collection method: not provided. Allele origin: germline. Inheritance: Autosomal dominant inheritance. Affected: yes.

PreventionGenetics, part of Exact Sciences
Classification: Likely benign for KMT2A-related condition. Last evaluated: 2020-02-03. Review status: no assertion criteria provided. Collection method: clinical testing. Allele origin: germline. Not counted in ClinVar's aggregate classification.
Comment: This variant is classified as likely benign based on ACMG/AMP sequence variant interpretation guidelines (Richards et al. 2015 PMID: 25741868, with internal and published modifications).